The following is an entry in ClinVar:

NM_001197104.2(KMT2A):c.6574A>T (p.Ser2192Cys)

Gene: KMT2A (lysine methyltransferase 2A; plus strand). Cytogenetic location: 11q23.3.
Variant type: single nucleotide variant.
Coding change: c.6574A>T on transcript NM_001197104.2 (MANE Select); coding-DNA position 6574, A replaced by T.
Protein change: p.Ser2192Cys; replaces serine 2192 with cysteine.
Molecular consequence: missense variant.
Genome position (GRCh38, 1-based): chr11:118,502,466, A>T. VCF-style: chr11-118502466-A-T. GRCh37 (hg19) VCF-style: chr11-118373181-A-T.
Other names: c.6664A>T, p.Ser2222Cys (NM_001412597.1); c.6565A>T, p.Ser2189Cys (NM_005933.4); short protein forms S2189C, S2192C, S2222C.
Identifiers: ClinVar variation 3634333 (VCV003634333.2).
Genomic context (GRCh38, chr11:118,502,466, plus strand): 5'-ACCCCAACCACTCATGAAATAGTCACAGTAGGTGATCCTTTACTCTCCTCTGGACTTCGA[A>T]GCATTGGCTCCAGGCGTCACAGTACCTCTTCCTTATCACCCCAGCGGTCCAAACTCCGGA-3'
Protein context (NP_001184033.1, residues 2182-2202): GDPLLSSGLR[Ser2192Cys]IGSRRHSTSS

ClinVar aggregate classification (germline): Uncertain significance (1 of 4 stars; one submission).

Submission:

Labcorp Genetics (formerly Invitae), Labcorp
Classification: Uncertain significance. Last evaluated: 2025-01-20. Review status: criteria provided, single submitter. Criteria: Invitae Variant Classification Sherloc (09022015). Collection method: clinical testing. Allele origin: germline.
Comment: This sequence change replaces serine, which is neutral and polar, with cysteine, which is neutral and slightly polar, at codon 2192 of the KMT2A protein (p.Ser2192Cys). This variant is not present in population databases (gnomAD no frequency). This variant has not been reported in the literature in individuals affected with KMT2A-related conditions. Invitae Evidence Modeling of protein sequence and biophysical properties (such as structural, functional, and spatial information, amino acid conservation, physicochemical variation, residue mobility, and thermodynamic stability) has been performed for this missense variant. However, the output from this modeling did not meet the statistical confidence thresholds required to predict the impact of this variant on KMT2A protein function. In summary, the available evidence is currently insufficient to determine the role of this variant in disease. Therefore, it has been classified as a Variant of Uncertain Significance.